The following is an entry in ClinVar:

ClinVar aggregate classification (germline): Uncertain significance (1 of 4 stars; one submission).

Conditions:
Ehlers-Danlos syndrome, classic type, 1 (EDSCL1). Also called: EDS I; EHLERS-DANLOS SYNDROME, GRAVIS TYPE; EHLERS-DANLOS SYNDROME, SEVERE CLASSIC TYPE; Ehlers-Danlos syndrome, type 1; Ehlers-Danlos Syndrome, Classic Type, COL5A1-Related. Identifiers: MedGen C0268335, MONDO:0019567, OMIM 130000.

Allele frequency attached by ClinVar (database versions not stated): gnomAD exomes below 0.00001; TOPMed below 0.00001.
gnomAD v4.1: 1 of 1,614,122 alleles (0.000062%); no homozygotes.

Submission:

Labcorp Genetics (formerly Invitae), Labcorp
Classification: Uncertain significance for Ehlers-Danlos syndrome, classic type, 1. Last evaluated: 2023-10-03. Review status: criteria provided, single submitter. Criteria: Invitae Variant Classification Sherloc (09022015). Collection method: clinical testing. Allele origin: germline.
Comment: This sequence change replaces proline, which is neutral and non-polar, with glutamine, which is neutral and polar, at codon 496 of the COL5A2 protein (p.Pro496Gln). This variant is not present in population databases (gnomAD no frequency). This variant has not been reported in the literature in individuals affected with COL5A2-related conditions. Advanced modeling of protein sequence and biophysical properties (such as structural, functional, and spatial information, amino acid conservation, physicochemical variation, residue mobility, and thermodynamic stability) performed at Invitae indicates that this missense variant is not expected to disrupt COL5A2 protein function. In summary, the available evidence is currently insufficient to determine the role of this variant in disease. Therefore, it has been classified as a Variant of Uncertain Significance.

NM_000393.5(COL5A2):c.1487C>A (p.Pro496Gln)

Gene: COL5A2 (collagen type V alpha 2 chain; minus strand). Cytogenetic location: 2q32.2.
Variant type: single nucleotide variant.
Coding change: c.1487C>A on transcript NM_000393.5 (MANE Select); coding-DNA position 1487, C replaced by A.
Protein change: p.Pro496Gln; replaces proline 496 with glutamine.
Molecular consequence: missense variant.
Genome position (GRCh38, 1-based): chr2:189,066,466, G>T on the plus strand (C>A on the coding strand, the complement: COL5A2 is on the minus strand). VCF-style: chr2-189066466-G-T. GRCh37 (hg19) VCF-style: chr2-189931192-G-T.
Other names: short protein forms P496Q.
Identifiers: ClinVar variation 2898672 (VCV002898672.3), dbSNP rs200428114, ClinGen allele CA62555507.